The following is an entry in ClinVar:

ClinVar aggregate classification (germline): Uncertain significance (1 of 4 stars; one submission).

Conditions:
Ehlers-Danlos syndrome, type 4 (EDSVASC). Also called: Ehlers-Danlos Syndrome Type IV; Ehlers-Danlos syndrome vascular type; Ehlers Danlos syndrome, ecchymotic type; Ehlers Danlos syndrome, arterial type; Ehlers Danlos syndrome, Sack-Barabas type. Identifiers: Orphanet 286, MedGen C0268338, MONDO:0017314, OMIM 130050.

Submission:

All of Us Research Program, National Institutes of Health
Classification: Uncertain significance for Ehlers-Danlos syndrome, type 4. Last evaluated: 2023-10-23. Review status: criteria provided, single submitter. Criteria: ACMG Guidelines, 2015. Collection method: clinical testing. Allele origin: germline. Inheritance: Autosomal dominant inheritance. Observed: 1 variant allele, 1 heterozygote.
Comment: This variant causes a T to A nucleotide substitution at the -4 position of intron 14 of the COL3A1 gene. To our knowledge, functional studies have not been reported for this variant. This variant has not been reported in individuals affected with COL3A1-related disorders in the literature. This variant has not been identified in the general population by the Genome Aggregation Database (gnomAD). The available evidence is insufficient to determine the role of this variant in disease conclusively. Therefore, this variant is classified as a Variant of Uncertain Significance.

This study involves interpretation of variants in research participants for the purpose of population health screening. Participant phenotype was not available at the time of variant classification. Additional details can be found in publication PMID: 35346344, PMCID: PMC8962531

NM_000090.4(COL3A1):c.997-4T>A

Gene: COL3A1 (collagen type III alpha 1 chain; plus strand). Cytogenetic location: 2q32.2.
Variant type: single nucleotide variant.
Coding change: c.997-4T>A on transcript NM_000090.4 (MANE Select); 4 bases into the intron before coding-DNA position 997, T replaced by A.
Molecular consequence: intron variant.
Genome position (GRCh38, 1-based): chr2:188,992,883, T>A. VCF-style: chr2-188992883-T-A. GRCh37 (hg19) VCF-style: chr2-189857609-T-A.
Identifiers: ClinVar variation 3074037 (VCV003074037.1), dbSNP rs2153502225, ClinGen allele CA2825001067.
Genomic context (GRCh38, chr2:188,992,883, plus strand): 5'-TACTAGTATGTCAGCTTTCATTTAGTTGAAAAAGAGCTCTTGAAATTGTATTTAATTTTT[T>A]CAGGGCCCTCCTGGTCCTCCTGGAACTGCCGGATTCCCTGGATCCCCTGGTGCTAAGGTA-3'